The following is an entry in ClinVar:

ClinVar aggregate classification (germline): Uncertain significance (1 of 4 stars; one submission).

Allele frequency attached by ClinVar (database versions not stated): TOPMed below 0.00001; ExAC 0.00001; gnomAD exomes 0.00001.

Submission:

Labcorp Genetics (formerly Invitae), Labcorp
Classification: Uncertain significance. Last evaluated: 2021-03-26. Review status: criteria provided, single submitter. Criteria: Invitae Variant Classification Sherloc (09022015). Collection method: clinical testing. Allele origin: germline.
Comment: In summary, the available evidence is currently insufficient to determine the role of this variant in disease. Therefore, it has been classified as a Variant of Uncertain Significance. Algorithms developed to predict the effect of missense changes on protein structure and function are either unavailable or do not agree on the potential impact of this missense change (SIFT: "Deleterious"; PolyPhen-2: "Benign"; Align-GVGD: "Class C25"). This variant has not been reported in the literature in individuals with C1S-related conditions. This variant is present in population databases (rs782488121, ExAC 0.001%). This sequence change replaces arginine with histidine at codon 286 of the C1S protein (p.Arg286His). The arginine residue is highly conserved and there is a small physicochemical difference between arginine and histidine.

NM_001734.5(C1S):c.857G>A (p.Arg286His)

Gene: C1S (complement C1s; plus strand). Cytogenetic location: 12p13.31.
Variant type: single nucleotide variant.
Coding change: c.857G>A on transcript NM_001734.5 (MANE Select); coding-DNA position 857, G replaced by A.
Protein change: p.Arg286His; replaces arginine 286 with histidine.
Molecular consequence: missense variant.
Genome position (GRCh38, 1-based): chr12:7,065,956, G>A. VCF-style: chr12-7065956-G-A. GRCh37 (hg19) VCF-style: chr12-7173260-G-A.
Other names: c.356G>A, p.Arg119His (NM_001346850.2); c.857G>A, p.Arg286His (NM_201442.4); short protein forms R286H, R119H.
Identifiers: ClinVar variation 1463283 (VCV001463283.8), dbSNP rs782488121, ClinGen allele CA6423592.